The following is an entry in ClinVar:

ClinVar aggregate classification (germline): Uncertain significance. Review status: criteria provided, multiple submitters, no conflicts (2 of 4 stars). 2 submissions from 2 submitters: Uncertain significance (2). Last evaluated 2022-06-16.

Conditions:
Cardiovascular phenotype. Identifiers: MedGen CN230736.

Allele frequency attached by ClinVar (database versions not stated): gnomAD exomes below 0.00001; TOPMed below 0.00001; gnomAD 0.00001.
gnomAD v4.1: 7 of 1,608,722 alleles (0.00044%); highest among the groups gnomAD compares: African/African-American, 0.0013%; no homozygotes.

Submissions (2):

Ambry Genetics
Classification: Uncertain significance for Cardiovascular phenotype. Last evaluated: 2022-06-16. Review status: criteria provided, single submitter. Criteria: Ambry Variant Classification Scheme 2023. Collection method: clinical testing. Allele origin: germline.
Comment: The p.N507S variant (also known as c.1520A>G), located in coding exon 8 of the JUP gene, results from an A to G substitution at nucleotide position 1520. The asparagine at codon 507 is replaced by serine, an amino acid with highly similar properties. This amino acid position is highly conserved in available vertebrate species. In addition, the in silico prediction for this alteration is inconclusive. Since supporting evidence is limited at this time, the clinical significance of this alteration remains unclear.

GeneDx
Classification: Uncertain significance. Last evaluated: 2021-04-07. Review status: criteria provided, single submitter. Criteria: GeneDx Variant Classification Process June 2021. Collection method: clinical testing. Allele origin: germline. Affected: yes.
Comment: Has not been previously published as pathogenic or benign to our knowledge; Reported in ClinVar as a variant of uncertain significance (ClinVar Variant ID# 518905; Landrum et al., 2016); In silico analysis supports that this missense variant has a deleterious effect on protein structure/function

NM_002230.4(JUP):c.1520A>G (p.Asn507Ser)

Gene: JUP (junction plakoglobin; minus strand). Cytogenetic location: 17q21.2.
Variant type: single nucleotide variant.
Coding change: c.1520A>G on transcript NM_002230.4 (MANE Select); coding-DNA position 1520, A replaced by G.
Protein change: p.Asn507Ser; replaces asparagine 507 with serine.
Molecular consequence: missense variant.
Genome position (GRCh38, 1-based): chr17:41,758,848, T>C on the plus strand (A>G on the coding strand, the complement: JUP is on the minus strand). VCF-style: chr17-41758848-T-C. GRCh37 (hg19) VCF-style: chr17-39915100-T-C.
Other names: c.1520A>G, p.Asn507Ser (NM_001352773.2, NM_001352774.2, NM_001352775.2 and 3 more transcripts); short protein forms N507S.
Identifiers: ClinVar variation 518905 (VCV000518905.7), dbSNP rs1555599849, ClinGen allele CA399494099.